The following is an entry in ClinVar:

NM_001127464.1:c.7502A>G

Gene: ZNF469 (zinc finger protein 469; plus strand).
Variant type: single nucleotide variant.
Identifiers: ClinVar variation 4209118 (VCV004209118.1).

ClinVar aggregate classification (germline): Uncertain significance (1 of 4 stars; one submission).

Conditions:
Cardiovascular phenotype. Identifiers: MedGen CN230736.

Submission:

Ambry Genetics
Classification: Uncertain significance for Cardiovascular phenotype. Last evaluated: 2025-07-24. Review status: criteria provided, single submitter. Criteria: Ambry Variant Classification Scheme 2023. Collection method: clinical testing. Allele origin: germline.
Comment: The p.K2501R variant (also known as c.7502A>G), located in coding exon 2 of the ZNF469 gene, results from an A to G substitution at nucleotide position 7502. The lysine at codon 2501 is replaced by arginine, an amino acid with highly similar properties. This amino acid position is conserved. In addition, this alteration is predicted to be tolerated by in silico analysis. Based on the available evidence, the clinical significance of this variant remains unclear.